The following is an entry in ClinVar:

NM_001039591.3(USP9X):c.144A>C (p.Pro48=)

Gene: USP9X (ubiquitin specific peptidase 9 X-linked; plus strand). Cytogenetic location: Xp11.4.
Variant type: single nucleotide variant.
Coding change: c.144A>C on transcript NM_001039591.3 (MANE Select); coding-DNA position 144, A replaced by C.
Protein change: p.Pro48=; no amino-acid change (proline 48 retained).
Molecular consequence: synonymous variant.
Genome position (GRCh38, 1-based): chrX:41,129,047, A>C. VCF-style: chrX-41129047-A-C. GRCh37 (hg19) VCF-style: chrX-40988300-A-C.
Other names: c.144A>C, p.Pro48= (NM_001039590.3, NM_001410748.1, NM_001410749.1).
Identifiers: ClinVar variation 1803499 (VCV001803499.1), dbSNP rs1462991551, ClinGen allele CA515965435.

ClinVar aggregate classification (germline): Uncertain significance (1 of 4 stars; one submission).

Allele frequency attached by ClinVar (database versions not stated): TOPMed below 0.00001; gnomAD 0.00002.
gnomAD v4.1: 3 of 1,209,410 alleles (0.00025%); highest among the groups gnomAD compares: Non-Finnish European, 0.00022%; no homozygotes.

Submission:

GeneDx
Classification: Uncertain significance. Last evaluated: 2022-12-07. Review status: criteria provided, single submitter. Criteria: GeneDx Variant Classification Process June 2021. Collection method: clinical testing. Allele origin: germline. Affected: yes.
Comment: Has not been previously published as pathogenic or benign to our knowledge; In silico analysis is inconclusive as to whether the variant alters gene splicing. In the absence of RNA/functional studies, the actual effect of this sequence change is unknown.